The following is an entry in ClinVar:

NM_013254.4(TBK1):c.1292C>T (p.Thr431Ile)

Gene: TBK1 (TANK binding kinase 1; plus strand). Cytogenetic location: 12q14.2.
Variant type: single nucleotide variant.
Coding change: c.1292C>T on transcript NM_013254.4 (MANE Select); coding-DNA position 1292, C replaced by T.
Protein change: p.Thr431Ile; replaces threonine 431 with isoleucine.
Molecular consequence: missense variant.
Genome position (GRCh38, 1-based): chr12:64,485,969, C>T. VCF-style: chr12-64485969-C-T. GRCh37 (hg19) VCF-style: chr12-64879749-C-T.
Other names: c.1292C>T (NM_013254.3); short protein forms T431I.
Identifiers: ClinVar variation 1460743 (VCV001460743.9), dbSNP rs1433610854, ClinGen allele CA385601245.

ClinVar aggregate classification (germline): Uncertain significance. Review status: criteria provided, single submitter (1 of 4 stars). 2 submissions from 2 submitters: Uncertain significance (1). 1 of the submissions does not count toward it. Last evaluated 2021-05-20.

Conditions:
TBK1-related disorder. Also called: TBK1-related condition.
Frontotemporal dementia and/or amyotrophic lateral sclerosis 4. Also called: FTDALS4. Identifiers: Orphanet 275872, MedGen C4225325, MONDO:0014641, OMIM 616439.

Allele frequency attached by ClinVar (database versions not stated): gnomAD exomes below 0.00001; TOPMed 0.00001; gnomAD 0.00002.
gnomAD v4.1: 7 of 1,593,888 alleles (0.00044%); highest among the groups gnomAD compares: Non-Finnish European, 0.0006%; no homozygotes.

Submissions (2):

Labcorp Genetics (formerly Invitae), Labcorp
Classification: Uncertain significance for Frontotemporal dementia and/or amyotrophic lateral sclerosis 4. Last evaluated: 2021-05-20. Review status: criteria provided, single submitter. Criteria: Invitae Variant Classification Sherloc (09022015). Collection method: clinical testing. Allele origin: germline.
Comment: This variant is not present in population databases (ExAC no frequency). This sequence change replaces threonine with isoleucine at codon 431 of the TBK1 protein (p.Thr431Ile). The threonine residue is moderately conserved and there is a moderate physicochemical difference between threonine and isoleucine. This variant has not been reported in the literature in individuals with TBK1-related conditions. In summary, the available evidence is currently insufficient to determine the role of this variant in disease. Therefore, it has been classified as a Variant of Uncertain Significance. Advanced modeling of protein sequence and biophysical properties (such as structural, functional, and spatial information, amino acid conservation, physicochemical variation, residue mobility, and thermodynamic stability) performed at Invitae indicates that this missense variant is not expected to disrupt TBK1 protein function.

PreventionGenetics, part of Exact Sciences
Classification: Uncertain significance for TBK1-related condition. Last evaluated: 2024-09-20. Review status: no assertion criteria provided. Collection method: clinical testing. Allele origin: germline. Not counted in ClinVar's aggregate classification.
Comment: The TBK1 c.1292C>T variant is predicted to result in the amino acid substitution p.Thr431Ile. To our knowledge, this variant has not been reported in the literature. This variant is reported in 0.0065% of alleles in individuals of European (Non-Finnish) descent in gnomAD. At this time, the clinical significance of this variant is uncertain due to the absence of conclusive functional and genetic evidence.